The following is an entry in ClinVar:

NM_000407.5(GP1BB):c.476G>T (p.Gly159Val)

Genes: GP1BB (glycoprotein Ib platelet subunit beta; plus strand), SEPT5-GP1BB (SEPT5-GP1BB readthrough; plus strand). Cytogenetic location: 22q11.21.
Variant type: single nucleotide variant.
Coding change: c.476G>T on transcript NM_000407.5 (MANE Select); coding-DNA position 476, G replaced by T.
Protein change: p.Gly159Val; replaces glycine 159 with valine.
Molecular consequence: missense variant. On other transcripts: non-coding transcript variant (2).
Genome position (GRCh38, 1-based): chr22:19,724,319, G>T. VCF-style: chr22-19724319-G-T. GRCh37 (hg19) VCF-style: chr22-19711842-G-T.
Other names: p.Gly159Val; short protein forms G159V.
Identifiers: ClinVar variation 3101042 (VCV003101042.3), dbSNP rs779021847, ClinGen allele CA322080082.

ClinVar aggregate classification (germline): Conflicting classifications of pathogenicity. Review status: criteria provided, conflicting classifications (1 of 4 stars). 3 submissions from 3 submitters: Uncertain significance (2); Benign (1). Last evaluated 2025-09-09.

Allele frequency attached by ClinVar (database versions not stated): gnomAD 0.00009; TOPMed 0.00010; gnomAD exomes 0.00009.

Submissions (3):

Women's Health and Genetics/Laboratory Corporation of America, LabCorp
Classification: Uncertain significance. Last evaluated: 2025-09-09. Review status: criteria provided, single submitter. Criteria: LabCorp Variant Classification Summary - May 2015. Collection method: clinical testing. Allele origin: germline.
Comment: Variant summary: GP1BB c.476G>T (p.Gly159Val) results in a non-conservative amino acid change in the encoded protein sequence. Algorithms developed to predict the effect of missense changes on protein structure and function are either unavailable or do not agree on the potential impact of this missense change. The variant allele was found at a frequency of 7.9e-05 in 50538 control chromosomes. The available data on variant occurrences in the general population are insufficient to allow any conclusion about variant significance. To our knowledge, no occurrence of c.476G>T in individuals affected with GP1BB-related conditions and no experimental evidence demonstrating its impact on protein function have been reported. ClinVar contains an entry for this variant (Variation ID: 3101042). Based on the evidence outlined above, the variant was classified as uncertain significance.

Mayo Clinic Laboratories, Mayo Clinic
Classification: Benign. Last evaluated: 2025-06-05. Review status: criteria provided, single submitter. Criteria: ACMG Guidelines, 2015. Collection method: clinical testing. Allele origin: germline. Observed: 1 variant allele.
Comment: BA1, BP4

Ambry Genetics
Classification: Uncertain significance. Last evaluated: 2023-09-20. Review status: criteria provided, single submitter. Criteria: Ambry Variant Classification Scheme 2023. Collection method: clinical testing. Allele origin: germline.